The following is an entry in ClinVar:

NM_033453.4(ITPA):c.275T>C (p.Leu92Pro)

Gene: ITPA (inosine triphosphatase; plus strand). Cytogenetic location: 20p13.
Variant type: single nucleotide variant.
Coding change: c.275T>C on transcript NM_033453.4 (MANE Select); coding-DNA position 275, T replaced by C.
Protein change: p.Leu92Pro; replaces leucine 92 with proline.
Molecular consequence: missense variant. On other transcripts: 5 prime UTR variant (4), non-coding transcript variant (2).
Genome position (GRCh38, 1-based): chr20:3,215,292, T>C. VCF-style: chr20-3215292-T-C. GRCh37 (hg19) VCF-style: chr20-3195938-T-C.
Other names: c.152T>C, p.Leu51Pro (NM_001267623.2); c.-63T>C (NM_001324236.2, NM_001324237.2, NM_001324238.2 and 1 more transcripts); c.275T>C, p.Leu92Pro (NM_001324240.2, NM_001424408.1); c.401T>C, p.Leu134Pro (NM_001424409.1); c.224T>C, p.Leu75Pro (NM_181493.4); short protein forms L134P, L51P, L75P, L92P.
Identifiers: ClinVar variation 4879670 (VCV004879670.1).

ClinVar aggregate classification (germline): Uncertain significance (1 of 4 stars; one submission).

Conditions:
Developmental and epileptic encephalopathy, 35 (DEE35). Also called: Epileptic encephalopathy, early infantile, 35. Identifiers: Orphanet 457375, MedGen C4225256, MONDO:0014719, OMIM 616647.

Submission:

Victorian Clinical Genetics Services, Murdoch Childrens Research Institute
Classification: Uncertain significance for Developmental and epileptic encephalopathy, 35. Last evaluated: 2026-05-15. Review status: criteria provided, single submitter. Criteria: ACMG Guidelines, 2015. Collection method: clinical testing. Allele origin: germline. Affected: yes.
Comment: This variant is classified as VUS-3A. Evidence in support of pathogenic classification: Variant is absent from gnomAD (v2, v3 and v4); Missense variant predicted to be damaging by in silico tool(s) or highly conserved with a major amino acid change. Additional information: Variant is predicted to result in a missense amino acid change from Leu to Pro; This variant is homozygous; This gene is associated with autosomal recessive disease; This variant has no previous evidence of pathogenicity; No published evidence of segregation with disease has been identified for this variant; No published functional evidence has been identified for this variant; No comparable missense variants have previous evidence for pathogenicity; Variant is located in the annotated Ham1 family domain (DECIPHER); Loss of function is a known mechanism of disease in this gene and is associated with developmental and epileptic encephalopathy 35 (MIM#616647) - This variant has been shown to be both maternally and paternally inherited (biallelic) (by trio analysis).